The following is an entry in ClinVar:

ClinVar aggregate classification (germline): Likely benign (1 of 4 stars; one submission).

gnomAD v4.1: 1 of 1,430,284 alleles (0.00007%); highest among the groups gnomAD compares: South Asian, 0.0013%; no homozygotes.

Submission:

GeneDx
Classification: Likely benign. Last evaluated: 2018-05-04. Review status: criteria provided, single submitter. Criteria: GeneDx Variant Classification (06012015). Collection method: clinical testing. Allele origin: germline. Affected: yes.
Comment: This variant is considered likely benign or benign based on one or more of the following criteria: it is a conservative change, it occurs at a poorly conserved position in the protein, it is predicted to be benign by multiple in silico algorithms, and/or has population frequency not consistent with disease.

NM_016239.4(MYO15A):c.2106G>A (p.Pro702=)

Gene: MYO15A (myosin XVA; plus strand). Cytogenetic location: 17p11.2.
Variant type: single nucleotide variant.
Coding change: c.2106G>A on transcript NM_016239.4 (MANE Select); coding-DNA position 2106, G replaced by A.
Protein change: p.Pro702=; no amino-acid change (proline 702 retained).
Molecular consequence: synonymous variant.
Genome position (GRCh38, 1-based): chr17:18,120,906, G>A. VCF-style: chr17-18120906-G-A. GRCh37 (hg19) VCF-style: chr17-18024220-G-A.
Identifiers: ClinVar variation 682308 (VCV000682308.1), dbSNP rs1597754658, ClinGen allele CA498428837.
Genomic context (GRCh38, chr17:18,120,906, plus strand): 5'-GGCGCTCTCGGGCCTGCCCCGGCCGGCCTCGCCCTACGGCTCCCTCCGCCGCCACCCGCC[G>A]CCCTGGGCCGCCCCAGCGCACGTGCCACCGGCGCCGCAGGCCAGCTGGTGGGCCTTCGTG-3'
Protein context (NP_057323.3, residues 692-712): SPYGSLRRHP[Pro702=]PWAAPAHVPP